The following is an entry in ClinVar:

NM_002519.3(NPAT):c.2198A>C (p.Asp733Ala)

Gene: NPAT (nuclear protein, coactivator of histone transcription; minus strand). Cytogenetic location: 11q22.3.
Variant type: single nucleotide variant.
Coding change: c.2198A>C on transcript NM_002519.3 (MANE Select); coding-DNA position 2198, A replaced by C.
Protein change: p.Asp733Ala; replaces aspartic acid 733 with alanine.
Molecular consequence: missense variant.
Genome position (GRCh38, 1-based): chr11:108,172,786, T>G on the plus strand (A>C on the coding strand, the complement: NPAT is on the minus strand). VCF-style: chr11-108172786-T-G. GRCh37 (hg19) VCF-style: chr11-108043513-T-G.
Other names: c.2198A>C, p.Asp733Ala (NM_001321307.1); short protein forms D733A.
Identifiers: ClinVar variation 1787512 (VCV001787512.2), dbSNP rs2496718242, ClinGen allele CA382513479.

ClinVar aggregate classification (germline): Uncertain significance (1 of 4 stars; one submission).

Submission:

Ambry Genetics
Classification: Uncertain significance. Last evaluated: 2021-10-26. Review status: criteria provided, single submitter. Criteria: Ambry Variant Classification Scheme 2023. Collection method: clinical testing. Allele origin: germline.
Comment: The p.D733A variant (also known as c.2198A>C), located in coding exon 13 of the NPAT gene, results from an A to C substitution at nucleotide position 2198. The aspartic acid at codon 733 is replaced by alanine, an amino acid with dissimilar properties. This amino acid position is conserved. In addition, this alteration is predicted to be tolerated by in silico analysis. Since supporting evidence is limited at this time, the clinical significance of this alteration remains unclear.